The following is an entry in ClinVar:

NM_203486.3(DLL3):c.626C>T (p.Pro209Leu)

Genes: DLL3 (delta like canonical Notch ligand 3; plus strand), LOC130064417 (ATAC-STARR-seq lymphoblastoid silent region 10608; plus strand). Cytogenetic location: 19q13.2.
Variant type: single nucleotide variant.
Coding change: c.626C>T on transcript NM_203486.3 (MANE Select); coding-DNA position 626, C replaced by T.
Protein change: p.Pro209Leu; replaces proline 209 with leucine.
Molecular consequence: missense variant.
Genome position (GRCh38, 1-based): chr19:39,503,031, C>T. VCF-style: chr19-39503031-C-T. GRCh37 (hg19) VCF-style: chr19-39993671-C-T.
Other names: c.626C>T, p.Pro209Leu (NM_016941.4); short protein forms P209L.
Identifiers: ClinVar variation 1310413 (VCV001310413.2), dbSNP rs1204991489, ClinGen allele CA405796200.

ClinVar aggregate classification (germline): Uncertain significance (1 of 4 stars; one submission).

Allele frequency attached by ClinVar (database versions not stated): gnomAD 0.00001; TOPMed 0.00001.
gnomAD v4.1: 4 of 1,517,812 alleles (0.00026%); highest among the groups gnomAD compares: African/African-American, 0.0014%; no homozygotes.

Submission:

GeneDx
Classification: Uncertain significance. Last evaluated: 2019-11-13. Review status: criteria provided, single submitter. Criteria: GeneDx Variant Classification Process June 2021. Collection method: clinical testing. Allele origin: germline. Affected: yes.
Comment: Not observed at a significant frequency in large population cohorts (Lek et al., 2016); In silico analysis, which includes protein predictors and evolutionary conservation, supports a deleterious effect; Has not been previously published as pathogenic or benign to our knowledge